The following is an entry in ClinVar:

ClinVar aggregate classification (germline): Likely benign (1 of 4 stars; one submission).

Conditions:
Microcytic anemia. Identifiers: MedGen C5194182, MONDO:0001245, HP:0001935. Disease mechanism: loss of function.

Allele frequency attached by ClinVar (database versions not stated): gnomAD exomes 0.00015; gnomAD 0.00123; TOPMed 0.00126; 1000 Genomes Project 30x 0.00234; 1000 Genomes Project 0.00240.
gnomAD v4.1: 194 of 195,286 alleles (0.099%); highest among the groups gnomAD compares: African/African-American, 0.4%; no homozygotes.

Submission:

Illumina Laboratory Services, Illumina
Classification: Likely benign for Iron-refractory iron deficiency anemia. Last evaluated: 2018-01-13. Review status: criteria provided, single submitter. Criteria: ICSL Variant Classification Criteria 13 December 2019. Collection method: clinical testing. Allele origin: germline.
Comment: This variant was observed in the ICSL laboratory as part of a predisposition screen in an ostensibly healthy population. It had not been previously curated by ICSL or reported in the Human Gene Mutation Database (HGMD: prior to June 1st, 2018), and was therefore a candidate for classification through an automated scoring system. Utilizing variant allele frequency, disease prevalence and penetrance estimates, and inheritance mode, an automated score was calculated to assess if this variant is too frequent to cause the disease. Based on the score and internal cut-off values, a variant classified as likely benign is not then subjected to further curation. The score for this variant resulted in a classification of likely benign for this disease.

NM_001374504.1(TMPRSS6):c.*411C>T

Gene: TMPRSS6 (transmembrane serine protease 6; minus strand). Cytogenetic location: 22q12.3.
Variant type: single nucleotide variant.
Coding change: c.*411C>T on transcript NM_001374504.1 (MANE Select); 411 bases downstream of the stop codon, C replaced by T.
Molecular consequence: 3 prime UTR variant.
Genome position (GRCh38, 1-based): chr22:37,065,669, G>A on the plus strand (C>T on the coding strand, the complement: TMPRSS6 is on the minus strand). VCF-style: chr22-37065669-G-A. GRCh37 (hg19) VCF-style: chr22-37461709-G-A.
Other names: c.*411C>T (NM_001289000.2, NM_001289001.2, NM_153609.4).
Identifiers: ClinVar variation 903047 (VCV000903047.4), dbSNP rs6000549, ClinGen allele CA324042242.